The following is an entry in ClinVar:

NM_001458.5(FLNC):c.2494A>C (p.Lys832Gln)

Gene: FLNC (filamin C; plus strand). Cytogenetic location: 7q32.1.
Variant type: single nucleotide variant.
Coding change: c.2494A>C on transcript NM_001458.5 (MANE Select); coding-DNA position 2494, A replaced by C.
Protein change: p.Lys832Gln; replaces lysine 832 with glutamine.
Molecular consequence: missense variant.
Genome position (GRCh38, 1-based): chr7:128,842,898, A>C. VCF-style: chr7-128842898-A-C. GRCh37 (hg19) VCF-style: chr7-128482952-A-C.
Other names: c.2494A>C, p.Lys832Gln (NM_001127487.2); short protein forms K832Q.
Identifiers: ClinVar variation 1354182 (VCV001354182.8), dbSNP rs2128935786, ClinGen allele CA369191788.

ClinVar aggregate classification (germline): Uncertain significance (1 of 4 stars; one submission).

Conditions:
Myofibrillar myopathy 5. Also called: Filaminopathy (type); FILAMINOPATHY, AUTOSOMAL DOMINANT. Identifiers: Orphanet 171445, MedGen C1836050, MONDO:0012289, OMIM 609524.
Distal myopathy with posterior leg and anterior hand involvement. Also called: WILLIAMS DISTAL MYOPATHY. Identifiers: Orphanet 63273, MedGen C3279722, MONDO:0013550, OMIM 614065.
Hypertrophic cardiomyopathy 26. Also called: Cardiomyopathy, familial hypertrophic, 26. Identifiers: Orphanet 75249, MedGen C4310749, MONDO:0014883, OMIM 617047.

Submission:

Labcorp Genetics (formerly Invitae), Labcorp
Classification: Uncertain significance for Distal myopathy with posterior leg and anterior hand involvement; Myofibrillar myopathy 5; Hypertrophic cardiomyopathy 26. Last evaluated: 2021-05-17. Review status: criteria provided, single submitter. Criteria: Invitae Variant Classification Sherloc (09022015). Collection method: clinical testing. Allele origin: germline.
Comment: In summary, the available evidence is currently insufficient to determine the role of this variant in disease. Therefore, it has been classified as a Variant of Uncertain Significance. Algorithms developed to predict the effect of sequence changes on RNA splicing suggest that this variant may create or strengthen a splice site, but this prediction has not been confirmed by published transcriptional studies. Algorithms developed to predict the effect of missense changes on protein structure and function are either unavailable or do not agree on the potential impact of this missense change (SIFT: "Deleterious"; PolyPhen-2: "Probably Damaging"; Align-GVGD: "Class C0"). This variant has not been reported in the literature in individuals with FLNC-related conditions. This variant is not present in population databases (ExAC no frequency). This sequence change replaces lysine with glutamine at codon 832 of the FLNC protein (p.Lys832Gln). The lysine residue is highly conserved and there is a small physicochemical difference between lysine and glutamine.